The following is an entry in ClinVar:

ClinVar aggregate classification (germline): Benign. Review status: criteria provided, multiple submitters, no conflicts (2 of 4 stars). 16 submissions from 16 submitters: Benign (11). 5 of the submissions do not count toward it. Last evaluated 2026-02-03.

Conditions:
Cardiovascular phenotype. Identifiers: MedGen CN230736.
Hypertrophic cardiomyopathy 14. Identifiers: MedGen C2750467, MONDO:0013197, OMIM 613251.

Allele frequency attached by ClinVar (database versions not stated): 1000 Genomes Project 30x 0.05559; 1000 Genomes Project 0.05671; gnomAD exomes 0.06828; TOPMed 0.06906; gnomAD 0.06933 and 0.06950; ExAC 0.06980; ESP Exome Variant Server 0.08019.
gnomAD v4.1: 124,984 of 1,614,154 alleles (7.7%); highest among the groups gnomAD compares: Middle Eastern, 9.3%; 5,295 homozygotes.

Submissions (16):

Labcorp Genetics (formerly Invitae), Labcorp
Classification: Benign for Hypertrophic cardiomyopathy 14. Last evaluated: 2026-02-03. Review status: criteria provided, single submitter. Criteria: Invitae Variant Classification Sherloc (09022015). Collection method: clinical testing. Allele origin: germline.

ARUP Laboratories, Molecular Genetics and Genomics, ARUP Laboratories
Classification: Benign. Last evaluated: 2025-07-23. Review status: criteria provided, single submitter. Criteria: ARUP Molecular Germline Variant Investigation Process 2024. Collection method: clinical testing. Allele origin: germline.

Center for Pediatric Genomic Medicine, Children's Mercy Hospital and Clinics
Classification: Benign. Last evaluated: 2016-07-22. Review status: criteria provided, single submitter. Criteria: ACMG Guidelines, 2015. Collection method: clinical testing. Allele origin: germline.

Molecular Diagnostic Laboratory for Inherited Cardiovascular Disease, Montreal Heart Institute
Classification: Benign. Last evaluated: 2016-05-13. Review status: criteria provided, single submitter. Criteria: ACMG Guidelines, 2015. Collection method: clinical testing. Allele origin: germline. Affected: yes.

Ambry Genetics
Classification: Benign for Cardiovascular phenotype. Last evaluated: 2015-06-29. Review status: criteria provided, single submitter. Criteria: Ambry Variant Classification Scheme 2023. Collection method: clinical testing. Allele origin: germline.

GeneDx
Classification: Benign. Last evaluated: 2015-03-03. Review status: criteria provided, single submitter. Criteria: GeneDx Variant Classification Process June 2021. Collection method: clinical testing. Allele origin: germline. Affected: yes.
Comment: This variant is associated with the following publications: (PMID: 23299917, 22429680, 27884173, 15998695, 33232181)

Eurofins Ntd Llc (ga)
Classification: Benign. Last evaluated: 2015-02-06. Review status: criteria provided, single submitter. Criteria: EGL Classification Definitions 2015. Collection method: clinical testing. Allele origin: germline.

Biesecker Lab/Clinical Genomics Section, National Institutes of Health
Classification: Benign. Last evaluated: 2013-06-24. Review status: criteria provided, single submitter. Criteria: Ng et al. (Circ Cardiovasc Genet. 2013). Collection method: research. Allele origin: unknown. Observed: 147 variant alleles. Study: ClinSeq.
Comment: The study set was not selected for affection status in relation to any cancer. Pathogenicity categories were based on literature curation. See Pubmed ID:23861362 for details.

Medical sequencing

Laboratory for Molecular Medicine, Mass General Brigham Personalized Medicine
Classification: Benign. Last evaluated: 2011-09-16. Review status: criteria provided, single submitter. Criteria: LMM Criteria. Collection method: clinical testing. Allele origin: germline. Observed: 277 variant alleles.

Breakthrough Genomics
Classification: Benign. Review status: criteria provided, single submitter. Criteria: ACMG Guidelines, 2015. Collection method: not provided. Allele origin: germline. Inheritance: Autosomal dominant inheritance. Affected: yes.

PreventionGenetics, part of Exact Sciences
Classification: Benign. Review status: criteria provided, single submitter. Criteria: ACMG Guidelines, 2015. Collection method: clinical testing. Allele origin: germline.

Clinical Genetics DNA and cytogenetics Diagnostics Lab, Erasmus MC, Erasmus Medical Center
Classification: Benign. Review status: no assertion criteria provided. Collection method: clinical testing. Allele origin: germline. Affected: yes. Study: VKGL Data-share Consensus. Not counted in ClinVar's aggregate classification.

Clinical Genetics, Academic Medical Center
Classification: Benign. Review status: no assertion criteria provided. Collection method: clinical testing. Allele origin: germline. Affected: yes. Study: VKGL Data-share Consensus. Not counted in ClinVar's aggregate classification.

Diagnostic Laboratory, Department of Genetics, University Medical Center Groningen
Classification: Benign. Review status: no assertion criteria provided. Collection method: clinical testing. Allele origin: germline. Affected: yes. Study: VKGL Data-share Consensus. Not counted in ClinVar's aggregate classification.

Genome Diagnostics Laboratory, University Medical Center Utrecht
Classification: Likely benign. Review status: no assertion criteria provided. Collection method: clinical testing. Allele origin: germline. Affected: yes. Study: VKGL Data-share Consensus. Not counted in ClinVar's aggregate classification.

Joint Genome Diagnostic Labs from Nijmegen and Maastricht, Radboudumc and MUMC+
Classification: Benign. Review status: no assertion criteria provided. Collection method: clinical testing. Allele origin: germline. Affected: yes. Study: VKGL Data-share Consensus. Not counted in ClinVar's aggregate classification.

NM_002471.4(MYH6):c.166G>A (p.Gly56Arg)

Genes: MYH6 (myosin heavy chain 6; minus strand), LOC114827851 (VISTA enhancer hs2155; plus strand). Cytogenetic location: 14q11.2.
Variant type: single nucleotide variant.
Coding change: c.166G>A on transcript NM_002471.4 (MANE Select); coding-DNA position 166, G replaced by A.
Protein change: p.Gly56Arg; replaces glycine 56 with arginine.
Molecular consequence: missense variant.
Genome position (GRCh38, 1-based): chr14:23,407,058, C>T on the plus strand (G>A on the coding strand, the complement: MYH6 is on the minus strand). VCF-style: chr14-23407058-C-T. GRCh37 (hg19) VCF-style: chr14-23876267-C-T.
Other names: short protein forms G56R.
Identifiers: ClinVar variation 44455 (VCV000044455.46), dbSNP rs28711516, ClinGen allele CA134248.